The following is an entry in ClinVar:

ClinVar aggregate classification (germline): Uncertain significance (1 of 4 stars; one submission).

Conditions:
Inborn genetic diseases. Identifiers: MedGen C0950123, MeSH D030342.

Submission:

Ambry Genetics
Classification: Uncertain significance for Inborn genetic diseases. Last evaluated: 2022-02-23. Review status: criteria provided, single submitter. Criteria: Ambry Variant Classification Scheme 2023. Collection method: clinical testing. Allele origin: germline.
Comment: The p.G497V variant (also known as c.1490G>T), located in coding exon 11 of the ACD gene, results from a G to T substitution at nucleotide position 1490. The glycine at codon 497 is replaced by valine, an amino acid with dissimilar properties. This amino acid position is conserved. In addition, this alteration is predicted to be tolerated by in silico analysis. Since supporting evidence is limited at this time, the clinical significance of this alteration remains unclear.

NM_001082486.2(ACD):c.1232G>T (p.Gly411Val)

Gene: ACD (ACD shelterin complex subunit and telomerase recruitment factor; minus strand). Cytogenetic location: 16q22.1.
Variant type: single nucleotide variant.
Coding change: c.1232G>T on transcript NM_001082486.2 (MANE Select); coding-DNA position 1232, G replaced by T.
Protein change: p.Gly411Val; replaces glycine 411 with valine.
Molecular consequence: missense variant.
Genome position (GRCh38, 1-based): chr16:67,657,828, C>A on the plus strand (G>T on the coding strand, the complement: ACD is on the minus strand). VCF-style: chr16-67657828-C-A. GRCh37 (hg19) VCF-style: chr16-67691731-C-A.
Other names: c.1145G>T, p.Gly382Val (NM_001410884.1); c.1223G>T, p.Gly408Val (NM_022914.3); short protein forms G382V, G408V, G411V.
Identifiers: ClinVar variation 1773777 (VCV001773777.2), dbSNP rs2543597041, ClinGen allele CA396349991.